The following is an entry in ClinVar:

NM_001290321.3(DMXL1):c.7593A>T (p.Gln2531His)

Gene: DMXL1 (Dmx like 1; plus strand). Cytogenetic location: 5q23.1.
Variant type: single nucleotide variant.
Coding change: c.7593A>T on transcript NM_001290321.3 (MANE Select); coding-DNA position 7593, A replaced by T.
Protein change: p.Gln2531His; replaces glutamine 2531 with histidine.
Molecular consequence: missense variant. On other transcripts: non-coding transcript variant (3).
Genome position (GRCh38, 1-based): chr5:119,197,804, A>T. VCF-style: chr5-119197804-A-T. GRCh37 (hg19) VCF-style: chr5-118533499-A-T.
Other names: c.7593A>T, p.Gln2531His (NM_001349239.2, NM_001349240.2, NM_001387933.1 and 1 more transcripts); c.7401A>T, p.Gln2467His (NM_001387934.1); c.6888A>T, p.Gln2296His (NM_001387937.1); c.6606A>T, p.Gln2202His (NM_001387938.1); short protein forms Q2202H, Q2296H, Q2467H, Q2531H.
Identifiers: ClinVar variation 3050305 (VCV003050305.2), dbSNP rs17144974, ClinGen allele CA3380934.

ClinVar aggregate classification (germline): Benign (0 of 4 stars; one submission).

Conditions:
DMXL1-related disorder. Also called: DMXL1-related condition.

Allele frequency attached by ClinVar (database versions not stated): 1000 Genomes Project 0.00260; 1000 Genomes Project 30x 0.00312.
gnomAD v4.1: 694 of 1,614,118 alleles (0.043%); highest among the groups gnomAD compares: African/African-American, 0.86%; 2 homozygotes.

Submission:

PreventionGenetics, part of Exact Sciences
Classification: Benign for DMXL1-related condition. Last evaluated: 2019-08-21. Review status: no assertion criteria provided. Collection method: clinical testing. Allele origin: germline.
Comment: This variant is classified as benign based on ACMG/AMP sequence variant interpretation guidelines (Richards et al. 2015 PMID: 25741868, with internal and published modifications).